The following is an entry in ClinVar:

ClinVar aggregate classification (germline): Pathogenic (1 of 4 stars; one submission).

Submission:

GeneDx
Classification: Pathogenic. Last evaluated: 2025-08-04. Review status: criteria provided, single submitter. Criteria: GeneDx Variant Classification Process June 2021. Collection method: clinical testing. Allele origin: germline. Affected: yes.
Comment: Frameshift variant predicted to result in protein truncation or nonsense mediated decay in a gene for which loss of function is a known mechanism of disease; Has not been previously published as pathogenic or benign to our knowledge; Not observed at significant frequency in large population cohorts (gnomAD)

NM_138459.5(NUS1):c.52_53del (p.Leu18fs)

Gene: NUS1 (NUS1 dehydrodolichyl diphosphate synthase subunit; plus strand). Cytogenetic location: 6q22.1.
Variant type: Deletion.
Coding change: c.52_53del on transcript NM_138459.5 (MANE Select); coding-DNA positions 52 to 53, 2 bases deleted (CT; older notation c.52_53delCT).
Protein change: p.Leu18fs; shifts the reading frame from leucine 18.
Molecular consequence: frameshift variant.
Genome position (GRCh38, 1-based): chr6:117,675,722-117,675,723, CT deleted; deleting any 2 consecutive bases within chr6:117,675,721-117,675,723 gives the same sequence; the c. name uses the placement nearest the transcript's 3' end. VCF-style (leftmost placement, unchanged base first): chr6-117675720-GTC-G. GRCh37 (hg19) VCF-style: chr6-117996883-GTC-G.
Other names: short protein forms L18fs.
Identifiers: ClinVar variation 4755736 (VCV004755736.1).